The following is an entry in ClinVar:

ClinVar aggregate classification (germline): Conflicting classifications of pathogenicity. Review status: criteria provided, conflicting classifications (1 of 4 stars). 3 submissions from 3 submitters: Uncertain significance (1); Benign (1); Likely benign (1). Last evaluated 2026-07-01.

Allele frequency attached by ClinVar (database versions not stated): ExAC 0.00091; gnomAD exomes 0.00103; TOPMed 0.00110; 1000 Genomes Project 0.00120; gnomAD 0.00120 and 0.00128; 1000 Genomes Project 30x 0.00125; ESP Exome Variant Server 0.00131.
gnomAD v4.1: 872 of 1,614,156 alleles (0.054%); highest among the groups gnomAD compares: African/African-American, 0.19%; 5 homozygotes.

Submissions (3):

CeGaT Center for Human Genetics Tuebingen
Classification: Likely benign. Last evaluated: 2026-07-01. Review status: criteria provided, single submitter. Criteria: CeGaT Center For Human Genetics Tuebingen Variant Classification Criteria Version 2. Collection method: clinical testing. Allele origin: germline. Affected: yes. Observed: 2 variant alleles.
Comment: WDR11: BP4, BS2

Labcorp Genetics (formerly Invitae), Labcorp
Classification: Benign. Last evaluated: 2025-11-06. Review status: criteria provided, single submitter. Criteria: Invitae Variant Classification Sherloc (09022015). Collection method: clinical testing. Allele origin: germline.

Genomic Diagnostic Laboratory, Division of Genomic Diagnostics, Children's Hospital of Philadelphia
Classification: Uncertain significance. Last evaluated: 2015-11-24. Review status: criteria provided, single submitter. Criteria: DGD Variant Analysis Guidelines. Collection method: clinical testing. Allele origin: unknown.

NM_018117.12(WDR11):c.1306A>G (p.Ile436Val)

Gene: WDR11 (WD repeat domain 11; plus strand). Cytogenetic location: 10q26.12.
Variant type: single nucleotide variant.
Coding change: c.1306A>G on transcript NM_018117.12 (MANE Select); coding-DNA position 1306, A replaced by G.
Protein change: p.Ile436Val; replaces isoleucine 436 with valine.
Molecular consequence: missense variant.
Genome position (GRCh38, 1-based): chr10:120,871,181, A>G. VCF-style: chr10-120871181-A-G. GRCh37 (hg19) VCF-style: chr10-122630693-A-G.
Other names: short protein forms I436V.
Identifiers: ClinVar variation 252718 (VCV000252718.21), dbSNP rs34602786, ClinGen allele CA5719694.